The following is an entry in ClinVar:

ClinVar aggregate classification (germline): Uncertain significance. Review status: criteria provided, multiple submitters, no conflicts (2 of 4 stars). 4 submissions from 4 submitters: Uncertain significance (4). Last evaluated 2024-03-04.

Conditions:
Hereditary cancer-predisposing syndrome. Also called: Neoplastic Syndromes, Hereditary; Hereditary Cancer Syndrome; Hereditary neoplastic syndrome; Tumor predisposition. Identifiers: Orphanet 140162, MedGen C0027672, MeSH D009386, MONDO:0015356.
Endometrial carcinoma. Also called: Endometrial carcinoma, somatic. Identifiers: MedGen C0476089, MONDO:0002447, OMIM 608089, HP:0012114.

Allele frequency attached by ClinVar (database versions not stated): gnomAD exomes below 0.00001.
gnomAD v4.1: 4 of 1,613,842 alleles (0.00025%); highest among the groups gnomAD compares: Admixed American, 0.0067%; no homozygotes.

Submissions (4):

Baylor Genetics
Classification: Uncertain significance for Endometrial carcinoma. Last evaluated: 2024-03-04. Review status: criteria provided, single submitter. Criteria: ACMG Guidelines, 2015. Collection method: clinical testing. Allele origin: unknown.

Labcorp Genetics (formerly Invitae), Labcorp
Classification: Uncertain significance. Last evaluated: 2023-05-16. Review status: criteria provided, single submitter. Criteria: Invitae Variant Classification Sherloc (09022015). Collection method: clinical testing. Allele origin: germline.
Comment: In summary, the available evidence is currently insufficient to determine the role of this variant in disease. Therefore, it has been classified as a Variant of Uncertain Significance. An algorithm developed to predict the effect of missense changes on protein structure and function (PolyPhen-2) suggests that this variant is likely to be tolerated. ClinVar contains an entry for this variant (Variation ID: 1058914). This variant has not been reported in the literature in individuals affected with MSH3-related conditions. This variant is present in population databases (no rsID available, gnomAD 0.003%). This sequence change replaces glycine, which is neutral and non-polar, with alanine, which is neutral and non-polar, at codon 1031 of the MSH3 protein (p.Gly1031Ala).

Ambry Genetics
Classification: Uncertain significance for Hereditary cancer-predisposing syndrome. Last evaluated: 2022-10-04. Review status: criteria provided, single submitter. Criteria: Ambry Variant Classification Scheme 2023. Collection method: clinical testing. Allele origin: germline.
Comment: The p.G1031A variant (also known as c.3092G>C), located in coding exon 22 of the MSH3 gene, results from a G to C substitution at nucleotide position 3092. The glycine at codon 1031 is replaced by alanine, an amino acid with similar properties. This amino acid position is conserved. In addition, this alteration is predicted to be tolerated by in silico analysis. Since supporting evidence is limited at this time, the clinical significance of this alteration remains unclear.

Sema4
Classification: Uncertain significance for Hereditary cancer-predisposing syndrome. Last evaluated: 2022-03-18. Review status: criteria provided, single submitter. Criteria: Sema4 Curation Guidelines. Collection method: curation. Allele origin: germline.
Comment: The MSH3 c.3092G>C (p.G1031A) variant has not been reported in the literature to our knowledge. This variant was observed in 1/34582 chromosomes in the Latino population according to the Genome Aggregation Database (PMID: 32461654). This variant has been reported in ClinVar (Variation ID: 1058914). Functional studies have not been performed, and in silico predictions of the variant's effect on protein function are inconclusive. The evidence is insufficient to meet ACMG/AMP criteria for classifying the variant as benign or pathogenic. Thus, the clinical significance of this variant is currently uncertain.

NM_002439.5(MSH3):c.3092G>C (p.Gly1031Ala)

Gene: MSH3 (mutS homolog 3; plus strand). Cytogenetic location: 5q14.1.
Variant type: single nucleotide variant.
Coding change: c.3092G>C on transcript NM_002439.5 (MANE Select); coding-DNA position 3092, G replaced by C.
Protein change: p.Gly1031Ala; replaces glycine 1031 with alanine.
Molecular consequence: missense variant.
Genome position (GRCh38, 1-based): chr5:80,864,904, G>C. VCF-style: chr5-80864904-G-C. GRCh37 (hg19) VCF-style: chr5-80160723-G-C.
Other names: short protein forms G1031A.
Identifiers: ClinVar variation 1058914 (VCV001058914.13), dbSNP rs1183003748, ClinGen allele CA360346381.